The following is an entry in ClinVar:

NM_004186.5(SEMA3F):c.1352G>A (p.Arg451Gln)

Gene: SEMA3F (semaphorin 3F; plus strand). Cytogenetic location: 3p21.31.
Variant type: single nucleotide variant.
Coding change: c.1352G>A on transcript NM_004186.5 (MANE Select); coding-DNA position 1352, G replaced by A.
Protein change: p.Arg451Gln; replaces arginine 451 with glutamine.
Molecular consequence: missense variant.
Genome position (GRCh38, 1-based): chr3:50,184,710, G>A. VCF-style: chr3-50184710-G-A. GRCh37 (hg19) VCF-style: chr3-50222143-G-A.
Other names: c.1352G>A (NM_004186.4); c.1055G>A, p.Arg352Gln (NM_001318798.2); c.1259G>A, p.Arg420Gln (NM_001318800.2); short protein forms R420Q, R352Q, R451Q.
Identifiers: ClinVar variation 2390992 (VCV002390992.7), dbSNP rs145958913, ClinGen allele CA2412086.

ClinVar aggregate classification (germline): Uncertain significance. Review status: criteria provided, multiple submitters, no conflicts (2 of 4 stars). 2 submissions from 2 submitters: Uncertain significance (2). Last evaluated 2026-08-17.

Conditions:
SEMA3F-related disorder. Also called: SEMA3F-related condition.

Allele frequency attached by ClinVar (database versions not stated): gnomAD exomes 0.00003; ExAC 0.00005; ESP Exome Variant Server 0.00015; 1000 Genomes Project 0.00020; gnomAD 0.00025; 1000 Genomes Project 30x 0.00031; TOPMed 0.00032.
gnomAD v4.1: 77 of 1,614,094 alleles (0.0048%); highest among the groups gnomAD compares: African/African-American, 0.073%; no homozygotes.

Submissions (2):

PreventionGenetics, part of Exact Sciences
Classification: Uncertain significance for SEMA3F-related condition. Last evaluated: 2026-08-17. Review status: criteria provided, single submitter. Criteria: ACMG Guidelines, 2015. Collection method: clinical testing. Allele origin: germline.
Comment: The SEMA3F c.1352G>A variant is predicted to result in the amino acid substitution p.Arg451Gln. To our knowledge, this variant has not been reported in the literature. This variant is reported in 0.072% of alleles in individuals of African descent in gnomAD. Although we suspect that this variant may be benign, at this time, the clinical significance of this variant is uncertain due to the absence of conclusive functional and genetic evidence.

Ambry Genetics
Classification: Uncertain significance. Last evaluated: 2024-08-27. Review status: criteria provided, single submitter. Criteria: Ambry Variant Classification Scheme 2023. Collection method: clinical testing. Allele origin: germline.